The following is an entry in ClinVar:

ClinVar aggregate classification (germline): Benign. Review status: reviewed by expert panel (3 of 4 stars). 9 submissions from 9 submitters: Benign (1). 8 of the submissions do not count toward it. Last evaluated 2023-08-28.

Conditions:
CDH1-related diffuse gastric and lobular breast cancer syndrome. Also called: CDH1-related diffuse gastric and lobular breast cancer. Identifiers: MedGen CN311521, MONDO:0100488.
Hereditary cancer-predisposing syndrome. Also called: Neoplastic Syndromes, Hereditary; Hereditary Cancer Syndrome; Hereditary neoplastic syndrome; Tumor predisposition. Identifiers: Orphanet 140162, MedGen C0027672, MeSH D009386, MONDO:0015356.
Hereditary diffuse gastric adenocarcinoma (HDGC). Also called: DIFFUSE GASTRIC AND LOBULAR BREAST CANCER SYNDROME. Identifiers: Orphanet 26106, MedGen C1708349, MONDO:0007648, OMIM 137215.

Allele frequency attached by ClinVar (database versions not stated): ExAC 0.00002; gnomAD 0.00002; gnomAD exomes 0.00002 and 0.00005; TOPMed 0.00002.
gnomAD v4.1: 80 of 1,614,070 alleles (0.005%); highest among the groups gnomAD compares: Non-Finnish European, 0.0064%; no homozygotes.

Submissions (9):

Clingen Gastric Cancer Variant Curation Expert Panel
Classification: Benign for CDH1-related diffuse gastric and lobular breast cancer syndrome. Last evaluated: 2023-08-28. Review status: reviewed by expert panel. Criteria: ClinGen CDH1 ACMG Specifications V3.1. Collection method: curation. Allele origin: germline. Inheritance: Autosomal dominant inheritance.
Comment: The NM_004360.5(CDH1):c.1178T>A (p.Ile393Asn) variant has been observed in more than 10 (85) individuals without a diagnosis of diffuse gastric cancer, signet ring tumor or lobular breast cancer and whose family histories do not suggest HDGC (BS2; internal laboratory contributors). This variant co-occurs in trans with a pathogenic CDH1 deletion in a carrier with a congenital malformation of the palate and family history of GC (BP2_Strong; internal laboratory contributors). This variant is known in one family with HDGC criteria (internal laboratory contributors). In summary, the clinical significance of this variant is classified as benign based on BS2 and BP2_Strong. ACMG/AMP criteria applied, as specified by the CDH1 Variant Curation Expert Panel (Variant Interpretation Guidelines Version 3.1): BS2, BP2_Strong.

Labcorp Genetics (formerly Invitae), Labcorp
Classification: Uncertain significance for Hereditary diffuse gastric adenocarcinoma. Last evaluated: 2025-12-23. Review status: criteria provided, single submitter. Criteria: Invitae Variant Classification Sherloc (09022015). Collection method: clinical testing. Allele origin: germline. Not counted in ClinVar's aggregate classification.
Comment: This sequence change replaces isoleucine, which is neutral and non-polar, with asparagine, which is neutral and polar, at codon 393 of the CDH1 protein (p.Ile393Asn). This variant is present in population databases (rs34466743, gnomAD 0.008%). This missense change has been observed in individual(s) with gastric cancer (internal data). ClinVar contains an entry for this variant (Variation ID: 141828). An algorithm developed to predict the effect of missense changes on protein structure and function (PolyPhen-2) suggests that this variant is likely to be disruptive. In summary, the available evidence is currently insufficient to determine the role of this variant in disease. Therefore, it has been classified as a Variant of Uncertain Significance.

Quest Diagnostics Nichols Institute San Juan Capistrano
Classification: Uncertain significance. Last evaluated: 2025-03-20. Review status: criteria provided, single submitter. Criteria: Quest Diagnostics criteria. Collection method: clinical testing. Allele origin: unknown. Not counted in ClinVar's aggregate classification.
Comment: The CDH1 c.1178T>A (p.Ile393Asn) variant has been observed in individuals from a breast cancer case-control cohort (PMID: 38153744 (2023)), and reported in an individual affected with breast cancer in a breast cancer risk-association study (PMID: 33471991 (2021), see LOVD). The frequency of this variant in the general population (Genome Aggregation Database) is uninformative in the assessment of its pathogenicity. Analysis of this variant using bioinformatics tools for the prediction of the effect of amino acid changes on protein structure and function yielded predictions that this variant is inconclusive or damaging. Based on the available information, we are unable to determine the clinical significance of this variant.

GeneDx
Classification: Uncertain significance. Last evaluated: 2024-02-27. Review status: criteria provided, single submitter. Criteria: GeneDx Variant Classification Process June 2021. Collection method: clinical testing. Allele origin: germline. Affected: yes. Not counted in ClinVar's aggregate classification.
Comment: Not observed at significant frequency in large population cohorts (gnomAD); In silico analysis supports that this missense variant has a deleterious effect on protein structure/function; Observed in an individual with breast cancer (PMID: 33471991); This variant is associated with the following publications: (PMID: 15235021, 22850631, 33471991)

Color Diagnostics, LLC DBA Color Health
Classification: Uncertain significance for Hereditary cancer-predisposing syndrome. Last evaluated: 2024-02-12. Review status: criteria provided, single submitter. Criteria: ACMG Guidelines, 2015. Collection method: clinical testing. Allele origin: germline. Not counted in ClinVar's aggregate classification.
Comment: This missense variant replaces isoleucine with asparagine at codon 393 of the CDH1 protein. To our knowledge, functional studies have not been reported for this variant. This variant has been reported in at least one individual affected with gastric cancer (ClinVar SCV000545391.9). In a large breast cancer case-control study, this variant has been reported in 1/60466 cases and 0/53461 unaffected controls (PMID: 33471991). This variant has been identified in 5/282886 chromosomes in the general population by the Genome Aggregation Database (gnomAD). The available evidence is insufficient to determine the role of this variant in disease conclusively. Therefore, this variant is classified as a Variant of Uncertain Significance.

Ambry Genetics
Classification: Likely benign for Hereditary cancer-predisposing syndrome. Last evaluated: 2022-04-25. Review status: criteria provided, single submitter. Criteria: Ambry Variant Classification Scheme 2023. Collection method: clinical testing. Allele origin: germline. Not counted in ClinVar's aggregate classification.

Women's Health and Genetics/Laboratory Corporation of America, LabCorp
Classification: Uncertain significance. Last evaluated: 2021-02-12. Review status: criteria provided, single submitter. Criteria: LabCorp Variant Classification Summary - May 2015. Collection method: clinical testing. Allele origin: germline. Not counted in ClinVar's aggregate classification.
Comment: Variant summary: CDH1 c.1178T>A (p.Ile393Asn) results in a non-conservative amino acid change in the encoded protein sequence. Four of five in-silico tools predict a damaging effect of the variant on protein function. The variant allele was found at a frequency of 1.6e-05 in 251482 control chromosomes. The available data on variant occurrences in the general population are insufficient to allow any conclusion about variant significance. To our knowledge, no occurrence of c.1178T>A in individuals affected with Hereditary Diffuse Gastric Cancer and no experimental evidence demonstrating its impact on protein function have been reported. Six clinical diagnostic laboratories have submitted clinical-significance assessments for this variant to ClinVar after 2014 without evidence for independent evaluation. All laboratories classified the variant as uncertain significance. Based on the evidence outlined above, the variant was classified as uncertain significance.

PreventionGenetics, part of Exact Sciences
Classification: Uncertain significance. Last evaluated: 2017-08-18. Review status: criteria provided, single submitter. Criteria: ACMG Guidelines, 2015. Collection method: clinical testing. Allele origin: germline. Not counted in ClinVar's aggregate classification.

Genetic Services Laboratory, University of Chicago
Classification: Uncertain significance. Last evaluated: 2016-11-23. Review status: criteria provided, single submitter. Criteria: ACMG Guidelines, 2015. Collection method: clinical testing. Allele origin: germline. Affected: no. Not counted in ClinVar's aggregate classification.

Literature cited by the submitters: PubMed 38153744 (cited by Quest Diagnostics Nichols Institute San Juan Capistrano); PubMed 33471991 (cited by 3 submitters).

NM_004360.5(CDH1):c.1178T>A (p.Ile393Asn)

Gene: CDH1 (cadherin 1; plus strand). Cytogenetic location: 16q22.1.
Variant type: single nucleotide variant.
Coding change: c.1178T>A on transcript NM_004360.5 (MANE Select); coding-DNA position 1178, T replaced by A.
Protein change: p.Ile393Asn; replaces isoleucine 393 with asparagine.
Molecular consequence: missense variant. On other transcripts: 5 prime UTR variant (2), intron variant (1).
Genome position (GRCh38, 1-based): chr16:68,813,353, T>A. VCF-style: chr16-68813353-T-A. GRCh37 (hg19) VCF-style: chr16-68847256-T-A.
Other names: p.I393N:ATC>AAC; NM_004360.5(CDH1):c.1178T>A; c.1178T>A (LRG_301t1); c.-438T>A (NM_001317185.2); c.-642T>A (NM_001317186.2); c.1137+1090T>A (NM_001317184.2); short protein forms I393N.
Identifiers: ClinVar variation 141828 (VCV000141828.29), dbSNP rs34466743, ClinGen allele CA294202.